The following is an entry in ClinVar:

NM_002116.8(HLA-A):c.[1029T>C;1033A>T1072G>A1077C>T180C>T282G>C299T>A301G>A302A>G307G>C311C>T313C>G314T>C317G>T319G>C363A>G385T>C397T>C413G>A41C>T448C>T502A>C524A>G527A>T555T>G622C>G633A>G642C>T649C>G651C>T652A>G691G>A762C>T808G>T829G>C899T>C945G>A952C>T961G>A964A>T967A>G987C>T992T>G]

Variant type: Haplotype.
Identifiers: ClinVar variation 1723892 (VCV001723892.3).

ClinVar aggregate classification (germline): drug response (0 of 4 stars; one submission).

Conditions:
Vancomycin response. Identifiers: MedGen CN297638.

Submission:

Whole-Genome Research Core Laboratory of Human Diseases, Chang Gung Memorial Hospital
Classification: drug response for vancomycin response. Last evaluated: 2022-03-21. Review status: no assertion criteria provided. Collection method: research. Allele origin: not applicable.
Comment: likely responsive